The following is an entry in ClinVar:

NM_001354712.2(THRB):c.1030G>A (p.Gly344Arg)

Gene: THRB (thyroid hormone receptor beta; minus strand). Cytogenetic location: 3p24.2.
Variant type: single nucleotide variant.
Coding change: c.1030G>A on transcript NM_001354712.2 (MANE Select); coding-DNA position 1030, G replaced by A.
Protein change: p.Gly344Arg; replaces glycine 344 with arginine.
Molecular consequence: missense variant. On other transcripts: intron variant (1).
Genome position (GRCh38, 1-based): chr3:24,127,613, C>T on the plus strand (G>A on the coding strand, the complement: THRB is on the minus strand). VCF-style: chr3-24127613-C-T. GRCh37 (hg19) VCF-style: chr3-24169104-C-T.
Other names: c.1030G>A, p.Gly344Arg (NM_000461.5, NM_001128176.3, NM_001128177.2 and 11 more transcripts); c.937G>A, p.Gly313Arg (NM_001354714.2, NM_001354715.2); c.973+57G>A (NM_001374827.1); c.1030G>A (NM_000461.4); short protein forms G313R, G344R.
Identifiers: ClinVar variation 2633292 (VCV002633292.2), dbSNP rs2471729239, ClinGen allele CA351888720.

ClinVar aggregate classification (germline): Conflicting classifications of pathogenicity. Review status: criteria provided, conflicting classifications (1 of 4 stars). 2 submissions from 2 submitters: Likely pathogenic (1); Uncertain significance (1). Last evaluated 2023-12-07.

Conditions:
THRB-related disorder. Also called: THRB-related condition.

Submissions (2):

Quest Diagnostics Nichols Institute San Juan Capistrano
Classification: Uncertain significance. Last evaluated: 2023-12-07. Review status: criteria provided, single submitter. Criteria: Quest Diagnostics criteria. Collection method: clinical testing. Allele origin: unknown.
Comment: The THRB c.1030G>A (p.Gly344Arg) variant has been reported in the published literature in an individual with RTH coexistent with pituitary tumors (PMID: 31326901 (2019)). This variant has not been reported in large, multi-ethnic general populations (Genome Aggregation Database). Analysis of this variant using bioinformatics tools for the prediction of the effect of amino acid changes on protein structure and function yielded predictions that this variant is damaging. Based on the available information, we are unable to determine the clinical significance of this variant.

PreventionGenetics, part of Exact Sciences
Classification: Likely pathogenic for THRB-related condition. Last evaluated: 2023-04-28. Review status: criteria provided, single submitter. Criteria: ACMG Guidelines, 2015. Collection method: clinical testing. Allele origin: germline.
Comment: The THRB c.1030G>A variant is predicted to result in the amino acid substitution p.Gly344Arg. This variant has been reported in the heterozygous state in individuals with resistance to thyroid hormone (Cunha et al. 2019. PubMed ID: 31326901). Different missense variants in the same codon (c.1031G>A,p.Gly344Glu; c.1031G>C,p.Gly344Ala) have been reported in individuals with resistance to thyroid hormone (Adams et al. 1994. PubMed ID: 8040303; Kvistad et al. 2004. PubMed ID: 15080770) suggesting that substitution of amino acid residue p.Gly344 is not tolerated. This variant has not been reported in a large population database, indicating this variant is rare. This variant is interpreted as likely pathogenic.

Literature cited by the submitters: PubMed 36843601 (cited by Quest Diagnostics Nichols Institute San Juan Capistrano); PubMed 31326901 (cited by Quest Diagnostics Nichols Institute San Juan Capistrano).